The following is an entry in ClinVar:

ClinVar aggregate classification (germline): Likely benign. Review status: criteria provided, single submitter (1 of 4 stars). 2 submissions from 2 submitters: Likely benign (1). 1 of the submissions does not count toward it. Last evaluated 2025-11-01.

Conditions:
PUS7-related disorder. Also called: PUS7-related condition.

Allele frequency attached by ClinVar (database versions not stated): 1000 Genomes Project 30x 0.00156; 1000 Genomes Project 0.00160; ExAC 0.00366; TOPMed 0.00466; ESP Exome Variant Server 0.00515.
gnomAD v4.1: 9,607 of 1,613,548 alleles (0.6%); highest among the groups gnomAD compares: Non-Finnish European, 0.75%; 39 homozygotes.

Submissions (2):

CeGaT Center for Human Genetics Tuebingen
Classification: Likely benign. Last evaluated: 2025-11-01. Review status: criteria provided, single submitter. Criteria: CeGaT Center For Human Genetics Tuebingen Variant Classification Criteria Version 2. Collection method: clinical testing. Allele origin: germline. Affected: yes. Observed: 12 variant alleles.
Comment: PUS7: BP4, BS2

PreventionGenetics, part of Exact Sciences
Classification: Likely benign for PUS7-related condition. Last evaluated: 2019-09-13. Review status: no assertion criteria provided. Collection method: clinical testing. Allele origin: germline. Not counted in ClinVar's aggregate classification.
Comment: This variant is classified as likely benign based on ACMG/AMP sequence variant interpretation guidelines (Richards et al. 2015 PMID: 25741868, with internal and published modifications).

NM_019042.5(PUS7):c.277T>C (p.Cys93Arg)

Gene: PUS7 (pseudouridine synthase 7; minus strand). Cytogenetic location: 7q22.3.
Variant type: single nucleotide variant.
Coding change: c.277T>C on transcript NM_019042.5 (MANE Select); coding-DNA position 277, T replaced by C.
Protein change: p.Cys93Arg; replaces cysteine 93 with arginine.
Molecular consequence: missense variant.
Genome position (GRCh38, 1-based): chr7:105,508,236, A>G on the plus strand (T>C on the coding strand, the complement: PUS7 is on the minus strand). VCF-style: chr7-105508236-A-G. GRCh37 (hg19) VCF-style: chr7-105148683-A-G.
Other names: c.277T>C, p.Cys93Arg (NM_001318163.1, NM_001318164.2); short protein forms C93R.
Identifiers: ClinVar variation 2579027 (VCV002579027.26), dbSNP rs139058270, ClinGen allele CA4426242.
Genomic context (GRCh38, chr7:105,508,236, plus strand): 5'-CAGCCTCAGTGAGTCCATGCTTCATCATGTCTGCAAAACTCTCTGATTCCTCCTCCTCGC[A>G]CTCCTCTGAAAGTCCATCTTCCTCCTCTTCTTCCTCATCTTCCAACTGAGCCTCAGAATT-3'
Protein context (NP_061915.2, residues 83-103): EEEEDGLSEE[Cys93Arg]EEEESESFAD